The following is an entry in ClinVar:

NM_001378457.1(DMXL2):c.1463C>T (p.Thr488Met)

Gene: DMXL2 (Dmx like 2; minus strand). Cytogenetic location: 15q21.2.
Variant type: single nucleotide variant.
Coding change: c.1463C>T on transcript NM_001378457.1 (MANE Select); coding-DNA position 1463, C replaced by T.
Protein change: p.Thr488Met; replaces threonine 488 with methionine.
Molecular consequence: missense variant. On other transcripts: non-coding transcript variant (2).
Genome position (GRCh38, 1-based): chr15:51,537,642, G>A on the plus strand (C>T on the coding strand, the complement: DMXL2 is on the minus strand). VCF-style: chr15-51537642-G-A. GRCh37 (hg19) VCF-style: chr15-51829839-G-A.
Other names: c.1463C>T (NM_001174116.1); c.1463C>T, p.Thr488Met (NM_001174116.3, NM_001174117.3, NM_001378458.1 and 6 more transcripts); c.1223C>T, p.Thr408Met (NM_001378464.1); short protein forms T408M, T488M.
Identifiers: ClinVar variation 2162657 (VCV002162657.8), dbSNP rs145006217, ClinGen allele CA7562581.

ClinVar aggregate classification (germline): Conflicting classifications of pathogenicity. Review status: criteria provided, conflicting classifications (1 of 4 stars). 5 submissions from 5 submitters: Likely pathogenic (1); Uncertain significance (2); Benign (1); Likely benign (1). Last evaluated 2026-07-20.

Conditions:
DMXL2-related disorder. Also called: DMXL2-related condition.
Hearing loss, autosomal dominant 71. Also called: DEAFNESS, AUTOSOMAL DOMINANT 71. Identifiers: MedGen C4539881, MONDO:0033258, OMIM 617605.

Allele frequency attached by ClinVar (database versions not stated): 1000 Genomes Project 30x 0.00016; 1000 Genomes Project 0.00020; gnomAD exomes 0.00022; ESP Exome Variant Server 0.00023; ExAC 0.00030; gnomAD 0.00054; TOPMed 0.00062.
gnomAD v4.1: 405 of 1,613,834 alleles (0.025%); highest among the groups gnomAD compares: Admixed American, 0.18%; 1 homozygote.

Submissions (5):

PreventionGenetics, part of Exact Sciences
Classification: Uncertain significance for DMXL2-related condition. Last evaluated: 2026-07-20. Review status: criteria provided, single submitter. Criteria: ACMG Guidelines, 2015. Collection method: clinical testing. Allele origin: germline.
Comment: The DMXL2 c.1463C>T variant is predicted to result in the amino acid substitution p.Thr488Met. To our knowledge, this variant has not been reported in the literature. This variant is reported in 0.14% of alleles in individuals of Latino descent in gnomAD. Although we suspect that this variant may be benign, at this time, the clinical significance of this variant is uncertain due to the absence of conclusive functional and genetic evidence.

CeGaT Center for Human Genetics Tuebingen
Classification: Benign. Last evaluated: 2026-02-01. Review status: criteria provided, single submitter. Criteria: CeGaT Center For Human Genetics Tuebingen Variant Classification Criteria Version 2. Collection method: clinical testing. Allele origin: germline. Affected: yes. Observed: 1 variant allele.
Comment: DMXL2: BP4, BS1, BS2

Blueprint Genetics
Classification: Likely benign. Last evaluated: 2024-08-29. Review status: criteria provided, single submitter. Criteria: ACMG Guidelines, 2015. Collection method: clinical testing. Allele origin: germline.

Laboratory of Prof. Karen Avraham, Tel Aviv University
Classification: Likely pathogenic for Hearing loss, autosomal dominant 71. Last evaluated: 2024-05-07. Review status: criteria provided, single submitter. Criteria: ACMG Guidelines, 2015. Collection method: research. Allele origin: germline. Affected: yes. Observed: 1 variant allele.
Comment: A rare variant predicted to be deleterious by all prediction programs in a known deafness dominant gene

DFNA71; sloping audiogram, mild-moderate HL

Labcorp Genetics (formerly Invitae), Labcorp
Classification: Uncertain significance. Last evaluated: 2022-09-27. Review status: criteria provided, single submitter. Criteria: Invitae Variant Classification Sherloc (09022015). Collection method: clinical testing. Allele origin: germline.
Comment: This sequence change replaces threonine, which is neutral and polar, with methionine, which is neutral and non-polar, at codon 488 of the DMXL2 protein (p.Thr488Met). This variant is present in population databases (rs145006217, gnomAD 0.2%), including at least one homozygous and/or hemizygous individual. This variant has not been reported in the literature in individuals affected with DMXL2-related conditions. Algorithms developed to predict the effect of missense changes on protein structure and function are either unavailable or do not agree on the potential impact of this missense change (SIFT: "Deleterious"; PolyPhen-2: "Probably Damaging"; Align-GVGD: "Class C0"). In summary, the available evidence is currently insufficient to determine the role of this variant in disease. Therefore, it has been classified as a Variant of Uncertain Significance.